The following is an entry in ClinVar:

ClinVar aggregate classification (germline): Pathogenic (1 of 4 stars; one submission).

Submission:

Labcorp Genetics (formerly Invitae), Labcorp
Classification: Pathogenic. Last evaluated: 2025-06-18. Review status: criteria provided, single submitter. Criteria: Invitae Variant Classification Sherloc (09022015). Collection method: clinical testing. Allele origin: germline.
Comment: This sequence change creates a premature translational stop signal (p.His753Thrfs*40) in the C5 gene. It is expected to result in an absent or disrupted protein product. Loss-of-function variants in C5 are known to be pathogenic (PMID: 7730648, 19414197, 27026170). This variant is not present in population databases (gnomAD no frequency). This variant has not been reported in the literature in individuals affected with C5-related conditions. For these reasons, this variant has been classified as Pathogenic.

Literature cited by the submitters: PubMed 7730648; PubMed 19414197; PubMed 27026170.

NM_001735.3(C5):c.2255dup (p.His753fs)

Gene: C5 (complement C5; minus strand). Cytogenetic location: 9q33.2.
Variant type: Duplication.
Coding change: c.2255dup on transcript NM_001735.3 (MANE Select); coding-DNA position 2255, one base duplicated (T; older notation c.2255dupT).
Protein change: p.His753fs; shifts the reading frame from histidine 753.
Molecular consequence: frameshift variant.
Genome position (GRCh38, 1-based): chr9:121,013,875, A duplicated on the plus strand (T on the coding strand, the reverse complement: C5 is on the minus strand). VCF-style (leftmost placement, unchanged base first): chr9-121013874-T-TA. GRCh37 (hg19) VCF-style: chr9-123776152-T-TA.
Other names: c.2273dup, p.His759fs (NM_001317163.2); c.2255dup, p.His753fs (NM_001317164.2); short protein forms H753fs, H759fs.
Identifiers: ClinVar variation 4799447 (VCV004799447.1).